The following is an entry in ClinVar:

ClinVar aggregate classification (germline): Likely pathogenic (1 of 4 stars; one submission).

Submission:

Labcorp Genetics (formerly Invitae), Labcorp
Classification: Likely pathogenic. Last evaluated: 2023-09-08. Review status: criteria provided, single submitter. Criteria: Invitae Variant Classification Sherloc (09022015). Collection method: clinical testing. Allele origin: germline.
Comment: In summary, the currently available evidence indicates that the variant is pathogenic, but additional data are needed to prove that conclusively. Therefore, this variant has been classified as Likely Pathogenic. ClinVar contains an entry for this variant (Variation ID: 1067269). A different variant (c.3G>A) giving rise to the same protein effect has been determined to be pathogenic (PMID: 20027300, 30718709). This suggests that this variant is also likely to be causative of disease. This variant is not present in population databases (gnomAD no frequency). This sequence change affects the initiator methionine of the CHM mRNA. The next in-frame methionine is located at codon 149.

Literature cited by the submitters: PubMed 20027300; PubMed 30718709.

NM_000390.4(CHM):c.2T>C (p.Met1Thr)

Gene: CHM (CHM Rab escort protein; minus strand). Cytogenetic location: Xq21.2.
Variant type: single nucleotide variant.
Coding change: c.2T>C on transcript NM_000390.4 (MANE Select); coding-DNA position 2, T replaced by C.
Protein change: p.Met1Thr; changes the start codon (methionine 1).
Molecular consequence: missense variant, initiator codon variant.
Genome position (GRCh38, 1-based): chrX:86,047,531, A>G on the plus strand (T>C on the coding strand, the complement: CHM is on the minus strand). VCF-style: chrX-86047531-A-G. GRCh37 (hg19) VCF-style: chrX-85302535-A-G.
Other names: c.2T>C, p.Met1Thr (NM_001145414.4); short protein forms M1T.
Identifiers: ClinVar variation 1067269 (VCV001067269.9), dbSNP rs2147819159, ClinGen allele CA413788728.